The following is an entry in ClinVar:

ClinVar aggregate classification (germline): Uncertain significance (1 of 4 stars; one submission).

Conditions:
Tuberous sclerosis 2 (TSC2). Identifiers: Orphanet 805, MedGen C1860707, MONDO:0013199, OMIM 613254.

Allele frequency attached by ClinVar (database versions not stated): gnomAD exomes below 0.00001.
gnomAD v4.1: 2 of 1,614,154 alleles (0.00012%); highest among the groups gnomAD compares: South Asian, 0.0022%; no homozygotes.

Submission:

Labcorp Genetics (formerly Invitae), Labcorp
Classification: Uncertain significance for Tuberous sclerosis 2. Last evaluated: 2019-09-20. Review status: criteria provided, single submitter. Criteria: Invitae Variant Classification Sherloc (09022015). Collection method: clinical testing. Allele origin: germline.
Comment: In summary, the available evidence is currently insufficient to determine the role of this variant in disease. Therefore, it has been classified as a Variant of Uncertain Significance. Algorithms developed to predict the effect of missense changes on protein structure and function (SIFT, PolyPhen-2, Align-GVGD) all suggest that this variant is likely to be tolerated, but these predictions have not been confirmed by published functional studies and their clinical significance is uncertain. This variant has not been reported in the literature in individuals with TSC2-related conditions. This variant is not present in population databases (ExAC no frequency). This sequence change replaces tyrosine with asparagine at codon 719 of the TSC2 protein (p.Tyr719Asn). The tyrosine residue is highly conserved and there is a large physicochemical difference between tyrosine and asparagine.

NM_000548.5(TSC2):c.2155T>A (p.Tyr719Asn)

Gene: TSC2 (TSC complex subunit 2; plus strand). Cytogenetic location: 16p13.3.
Variant type: single nucleotide variant.
Coding change: c.2155T>A on transcript NM_000548.5 (MANE Select); coding-DNA position 2155, T replaced by A.
Protein change: p.Tyr719Asn; replaces tyrosine 719 with asparagine.
Molecular consequence: missense variant.
Genome position (GRCh38, 1-based): chr16:2,072,298, T>A. VCF-style: chr16-2072298-T-A. GRCh37 (hg19) VCF-style: chr16-2122299-T-A.
Other names: c.2155T>A, p.Tyr719Asn (NM_001077183.3, NM_001114382.3, NM_001363528.2 and 3 more transcripts); c.2044T>A, p.Tyr682Asn (NM_001318827.2); c.2008T>A, p.Tyr670Asn (NM_001318829.2); c.1555T>A, p.Tyr519Asn (NM_001318831.2); c.2188T>A, p.Tyr730Asn (NM_001318832.2); short protein forms Y719N, Y519N, Y670N, Y682N, Y730N.
Identifiers: ClinVar variation 934974 (VCV000934974.9), dbSNP rs2088573694, ClinGen allele CA394274853.